The following is an entry in ClinVar:

ClinVar aggregate classification (germline): Uncertain significance (1 of 4 stars; one submission).

Conditions:
RYR1-related disorder. Also called: RYR1-related condition; RYR1-related disorders. Identifiers: MedGen CN239331.

Submission:

Labcorp Genetics (formerly Invitae), Labcorp
Classification: Uncertain significance for RYR1-related disorder. Last evaluated: 2024-10-03. Review status: criteria provided, single submitter. Criteria: Invitae Variant Classification Sherloc (09022015). Collection method: clinical testing. Allele origin: germline.
Comment: This sequence change replaces isoleucine, which is neutral and non-polar, with serine, which is neutral and polar, at codon 4898 of the RYR1 protein (p.Ile4898Ser). This variant is not present in population databases (gnomAD no frequency). This variant has not been reported in the literature in individuals affected with RYR1-related conditions. ClinVar contains an entry for this variant (Variation ID: 2010693). Invitae Evidence Modeling of protein sequence and biophysical properties (such as structural, functional, and spatial information, amino acid conservation, physicochemical variation, residue mobility, and thermodynamic stability) has been performed for this missense variant. However, the output from this modeling did not meet the statistical confidence thresholds required to predict the impact of this variant on RYR1 protein function. This variant disrupts the p.Ile4898 amino acid residue in RYR1. Other variant(s) that disrupt this residue have been determined to be pathogenic (PMID: 10097181, 11741831, 20888934). This suggests that this residue is clinically significant, and that variants that disrupt this residue are likely to be disease-causing. In summary, the available evidence is currently insufficient to determine the role of this variant in disease. Therefore, it has been classified as a Variant of Uncertain Significance.

Literature cited by the submitters: PubMed 10097181; PubMed 11741831; PubMed 20888934.

NM_000540.3(RYR1):c.14693T>G (p.Ile4898Ser)

Gene: RYR1 (ryanodine receptor 1; plus strand). Cytogenetic location: 19q13.2.
Variant type: single nucleotide variant.
Coding change: c.14693T>G on transcript NM_000540.3 (MANE Select); coding-DNA position 14693, T replaced by G.
Protein change: p.Ile4898Ser; replaces isoleucine 4898 with serine.
Molecular consequence: missense variant.
Genome position (GRCh38, 1-based): chr19:38,584,989, T>G. VCF-style: chr19-38584989-T-G. GRCh37 (hg19) VCF-style: chr19-39075629-T-G.
Other names: c.14678T>G, p.Ile4893Ser (NM_001042723.2); short protein forms I4893S, I4898S.
Identifiers: ClinVar variation 2010693 (VCV002010693.4), dbSNP rs118192170, ClinGen allele CA405690306.